The following is an entry in ClinVar:

ClinVar aggregate classification (germline): Uncertain significance (1 of 4 stars; one submission).

Allele frequency attached by ClinVar (database versions not stated): ExAC 0.00001; gnomAD 0.00001 and 0.00002; TOPMed 0.00005; ESP Exome Variant Server 0.00008; 1000 Genomes Project 30x 0.00016; 1000 Genomes Project 0.00020.
gnomAD v4.1: 38 of 1,611,954 alleles (0.0024%); highest among the groups gnomAD compares: African/African-American, 0.0067%; no homozygotes.

Submission:

Labcorp Genetics (formerly Invitae), Labcorp
Classification: Uncertain significance. Last evaluated: 2021-09-17. Review status: criteria provided, single submitter. Criteria: Invitae Variant Classification Sherloc (09022015). Collection method: clinical testing. Allele origin: germline.
Comment: This sequence change replaces serine with alanine at codon 75 of the NFATC1 protein (p.Ser75Ala). The serine residue is moderately conserved and there is a moderate physicochemical difference between serine and alanine. This variant is present in population databases (rs140711063, ExAC 0.01%). This variant has not been reported in the literature in individuals affected with NFATC1-related conditions. Algorithms developed to predict the effect of missense changes on protein structure and function output the following: SIFT: "Deleterious"; PolyPhen-2: "Benign"; Align-GVGD: "Class C0". The alanine amino acid residue is found in multiple mammalian species, which suggests that this missense change does not adversely affect protein function. In summary, the available evidence is currently insufficient to determine the role of this variant in disease. Therefore, it has been classified as a Variant of Uncertain Significance.

NM_001278669.2(NFATC1):c.223T>G (p.Ser75Ala)

Gene: NFATC1 (nuclear factor of activated T cells 1; plus strand). Cytogenetic location: 18q23.
Variant type: single nucleotide variant.
Coding change: c.223T>G on transcript NM_001278669.2 (MANE Select); coding-DNA position 223, T replaced by G.
Protein change: p.Ser75Ala; replaces serine 75 with alanine.
Molecular consequence: missense variant. On other transcripts: intron variant (2).
Genome position (GRCh38, 1-based): chr18:79,410,498, T>G. VCF-style: chr18-79410498-T-G. GRCh37 (hg19) VCF-style: chr18-77170498-T-G.
Other names: c.223T>G, p.Ser75Ala (NM_001278670.2, NM_006162.5, NM_172390.3); c.184T>G, p.Ser62Ala (NM_001278672.2, NM_001278675.2, NM_172387.3 and 1 more transcripts); c.-191+14147T>G (NM_172388.3); c.-191+10019T>G (NM_001278673.2); short protein forms S62A, S75A.
Identifiers: ClinVar variation 1377141 (VCV001377141.6), dbSNP rs140711063, ClinGen allele CA9008773.